The following is an entry in ClinVar:

NM_001195263.2(PDZD7):c.1543C>T (p.Gln515Ter)

Gene: PDZD7 (PDZ domain containing 7; minus strand). Cytogenetic location: 10q24.31.
Variant type: single nucleotide variant.
Coding change: c.1543C>T on transcript NM_001195263.2 (MANE Select); coding-DNA position 1543, C replaced by T.
Protein change: p.Gln515Ter; replaces glutamine 515 with a stop codon.
Molecular consequence: nonsense.
Genome position (GRCh38, 1-based): chr10:101,016,407, G>A on the plus strand (C>T on the coding strand, the complement: PDZD7 is on the minus strand). VCF-style: chr10-101016407-G-A. GRCh37 (hg19) VCF-style: chr10-102776164-G-A.
Other names: c.1543C>T (NM_001195263.1); short protein forms Q515*.
Identifiers: ClinVar variation 1324872 (VCV001324872.13), dbSNP rs979094623, ClinGen allele CA212982286.
Genomic context (GRCh38, chr10:101,016,407, plus strand): 5'-TAGGCCTTGGTAAAGGGATGCATGAATTACCACGTCTCAGTCTCCAGGTGACAAACTTCT[G>A]TACCGGGCCCACGCCCCCTGCTATGAAGAAGAAAGAGGCTCAGCTGCAGGCCTTGGCCCC-3'

ClinVar aggregate classification (germline): Pathogenic/Likely pathogenic. Review status: criteria provided, multiple submitters, no conflicts (2 of 4 stars). 7 submissions from 6 submitters: Pathogenic (2); Likely pathogenic (5). Last evaluated 2026-03-02.

Conditions:
Usher syndrome type 2C. Also called: Usher syndrome, type 2B; USHER SYNDROME, TYPE IIC. Identifiers: Orphanet 231178, Orphanet 886, MedGen C2931213, MONDO:0011558, OMIM 605472.
PDZD7-related disorder. Also called: PDZD7-related condition; PDZD7-related disorders.
Hearing loss, autosomal recessive 57. Also called: DEAFNESS, AUTOSOMAL RECESSIVE 57. Identifiers: MedGen C4693893, MONDO:0033201, OMIM 618003.

Allele frequency attached by ClinVar (database versions not stated): gnomAD exomes 0.00001 and 0.00008; gnomAD 0.00003; TOPMed 0.00003.
gnomAD v4.1: 118 of 1,550,572 alleles (0.0076%); highest among the groups gnomAD compares: Non-Finnish European, 0.0099%; no homozygotes.

Submissions (7):

GeneDx
Classification: Likely pathogenic. Last evaluated: 2026-03-02. Review status: criteria provided, single submitter. Criteria: GeneDx Variant Classification Process June 2021. Collection method: clinical testing. Allele origin: germline.
Comment: Observed in a family with Usher syndrome and segregates with disease in several relatives who also harbor variants in the USH2A and/or ADGVR1 genes (PMID: 32050993); Nonsense variant predicted to result in protein truncation or nonsense mediated decay in a gene for which loss of function is a known mechanism of disease; Not observed at significant frequency in large population cohorts (gnomAD); This variant is associated with the following publications: (PMID: 31980526, 32050993)

Dasa
Classification: Pathogenic. Last evaluated: 2025-12-08. Review status: criteria provided, single submitter. Criteria: DASA Assertion Criteria. Collection method: clinical testing. Allele origin: germline.
Comment: NM_001195263.2(PDZD7):c.1543C>T (p.Gln515*) introduces a premature termination codon predicted to result in loss of normal protein function. Loss-of-function is an established mechanism of disease for this gene. This variant has been observed in affected individuals with related phenotype in a genotype context consistent with recessive disease (PMID: 32050993). This variant has been reported in individuals with related phenotype (PMID: 32050993). The variant is present at low frequency in population datasets. Based on the available data, this variant is classified as pathogenic.

PreventionGenetics, part of Exact Sciences
Classification: Likely pathogenic for PDZD7-related condition. Last evaluated: 2025-10-03. Review status: criteria provided, single submitter. Criteria: ACMG Guidelines, 2015. Collection method: clinical testing. Allele origin: germline.
Comment: The PDZD7 c.1543C>T variant is predicted to result in premature protein termination (p.Gln515*). This variant was reported in the heterozygous state along with potentially causative variants in USH2A and ADGRV1 in one individual with retinitis pigmentosa, and although oligogenic inheritance was suggested this association is not well established (González-Del Pozo et al. 2020. PubMed ID: 32050993). This variant is reported in 0.0036% of alleles in individuals of European (Non-Finnish) descent in gnomAD. Frameshift variants in PDZD7 are expected to be pathogenic. This variant is interpreted as likely pathogenic.

Blueprint Genetics
Classification: Likely pathogenic for PDZD7-related disorders. Last evaluated: 2023-10-25. Review status: criteria provided, single submitter. Criteria: ACMG Guidelines, 2015. Collection method: clinical testing. Allele origin: germline. Affected: yes. Observed: 5 variant alleles.

Labcorp Genetics (formerly Invitae), Labcorp
Classification: Pathogenic. Last evaluated: 2023-10-22. Review status: criteria provided, single submitter. Criteria: Invitae Variant Classification Sherloc (09022015). Collection method: clinical testing. Allele origin: germline.
Comment: This sequence change creates a premature translational stop signal (p.Gln515*) in the PDZD7 gene. It is expected to result in an absent or disrupted protein product. Loss-of-function variants in PDZD7 are known to be pathogenic (PMID: 20440071). This variant is present in population databases (no rsID available, gnomAD 0.004%). This premature translational stop signal has been observed in individual(s) with clinical features of PDZD7-related conditions (PMID: 32050993). ClinVar contains an entry for this variant (Variation ID: 1324872). For these reasons, this variant has been classified as Pathogenic.

Baylor Genetics
Classification: Likely pathogenic for Hearing loss, autosomal recessive 57. Last evaluated: 2023-05-03. Review status: criteria provided, single submitter. Criteria: ACMG Guidelines, 2015. Collection method: clinical testing. Allele origin: unknown.

Baylor Genetics
Classification: Likely pathogenic for Usher syndrome type 2C. Last evaluated: 2022-07-08. Review status: criteria provided, single submitter. Criteria: ACMG Guidelines, 2015. Collection method: clinical testing. Allele origin: unknown.

Literature cited by the submitters: PubMed 32050993 (cited by Dasa and Labcorp Genetics (formerly Invitae), Labcorp); PubMed 20440071 (cited by Labcorp Genetics (formerly Invitae), Labcorp).